The following is an entry in ClinVar:

ClinVar aggregate classification (germline): Likely benign (1 of 4 stars; one submission).

Conditions:
Breast-ovarian cancer, familial, susceptibility to, 4. Identifiers: Orphanet 145, MedGen C3280345, MONDO:0013669, OMIM 614291.

gnomAD v4.1: 1 of 1,612,694 alleles (0.000062%); highest among the groups gnomAD compares: Non-Finnish European, 0.000085%; no homozygotes.

Submission:

Myriad Genetics, Inc.
Classification: Likely benign for Breast-ovarian cancer, familial, susceptibility to, 4. Last evaluated: 2025-02-24. Review status: criteria provided, single submitter. Criteria: Myriad Autosomal Dominant, Autosomal Recessive and X-Linked Classification Criteria (2023). Collection method: clinical testing. Allele origin: unknown.
Comment: This variant is considered likely benign. This variant is intronic and is not expected to impact mRNA splicing.

NM_002878.4(RAD51D):c.668-12C>T

Genes: RAD51D (RAD51 paralog D; minus strand), RAD51L3-RFFL (RAD51L3-RFFL readthrough; minus strand). Cytogenetic location: 17q12.
Variant type: single nucleotide variant.
Coding change: c.668-12C>T on transcript NM_002878.4 (MANE Select); 12 bases into the intron before coding-DNA position 668, C replaced by T.
Molecular consequence: intron variant.
Genome position (GRCh38, 1-based): chr17:35,103,336, G>A on the plus strand (C>T on the coding strand, the complement: RAD51D is on the minus strand). VCF-style: chr17-35103336-G-A. GRCh37 (hg19) VCF-style: chr17-33430355-G-A.
Other names: c.332-12C>T (NM_133629.3); c.728-12C>T (NM_001142571.2).
Identifiers: ClinVar variation 3904107 (VCV003904107.1).